The following is an entry in ClinVar:

ClinVar aggregate classification (germline): Uncertain significance (1 of 4 stars; one submission).

Submission:

GeneDx
Classification: Uncertain significance. Last evaluated: 2022-05-11. Review status: criteria provided, single submitter. Criteria: GeneDx Variant Classification Process June 2021. Collection method: clinical testing. Allele origin: germline. Affected: yes.
Comment: Not observed at significant frequency in large population cohorts (gnomAD); In silico analysis supports that this missense variant does not alter protein structure/function; Has not been previously published as pathogenic or benign to our knowledge

NM_006766.5(KAT6A):c.5234C>G (p.Ser1745Cys)

Gene: KAT6A (lysine acetyltransferase 6A; minus strand). Cytogenetic location: 8p11.21.
Variant type: single nucleotide variant.
Coding change: c.5234C>G on transcript NM_006766.5 (MANE Select); coding-DNA position 5234, C replaced by G.
Protein change: p.Ser1745Cys; replaces serine 1745 with cysteine.
Molecular consequence: missense variant.
Genome position (GRCh38, 1-based): chr8:41,932,986, G>C on the plus strand (C>G on the coding strand, the complement: KAT6A is on the minus strand). VCF-style: chr8-41932986-G-C. GRCh37 (hg19) VCF-style: chr8-41790504-G-C.
Other names: short protein forms S1745C.
Identifiers: ClinVar variation 1800736 (VCV001800736.1), dbSNP rs2486752254, ClinGen allele CA371063165.